The following is an entry in ClinVar:

NM_001032283.3(TMPO):c.565+2170C>G

Gene: TMPO (thymopoietin; plus strand). Cytogenetic location: 12q23.1.
Variant type: single nucleotide variant.
Coding change: c.565+2170C>G on transcript NM_001032283.3 (MANE Select); 2170 bases into the intron after coding-DNA position 565, C replaced by G.
Molecular consequence: intron variant. On other transcripts: missense variant (1).
Genome position (GRCh38, 1-based): chr12:98,534,008, C>G. VCF-style: chr12-98534008-C-G. GRCh37 (hg19) VCF-style: chr12-98927786-C-G.
Other names: c.1751C>G, p.Thr584Ser (NM_003276.2); c.565+2170C>G (NM_001307975.2, NM_001032284.3); short protein forms T584S.
Identifiers: ClinVar variation 2907196 (VCV002907196.3), dbSNP rs777048063, ClinGen allele CA6732475.
Genomic context (GRCh38, chr12:98,534,008, plus strand): 5'-AGTTGGACTTAGCACTCTGTAGAGCATATGAAGCTGCAGCATCAGCATTGCAGATTGCAA[C>G]TCACACTGCCTTTGTAGCTAAGGCTATGCAGGCAGACATTAGTCAAGCTGCACAGATTCT-3'

ClinVar aggregate classification (germline): Uncertain significance (1 of 4 stars; one submission).

Conditions:
Loeys-Dietz syndrome 2 (LDS2). Also called: TGFBR2-Related Loeys-Dietz Syndrome; Marfan syndrome, type 2 (formerly); Marfan Syndrome type 2; Marfan like connective tissue disorder; MFS 2; AORTIC ANEURYSM, FAMILIAL THORACIC 3. Identifiers: Orphanet 284973, Orphanet 558, MedGen C2674574, MONDO:0012427, OMIM 610168.

Allele frequency attached by ClinVar (database versions not stated): ExAC 0.00001; gnomAD 0.00001.
gnomAD v4.1: 4 of 1,607,446 alleles (0.00025%); highest among the groups gnomAD compares: South Asian, 0.0044%; no homozygotes.

Submission:

Labcorp Genetics (formerly Invitae), Labcorp
Classification: Uncertain significance for Loeys-Dietz syndrome 2. Last evaluated: 2024-05-20. Review status: criteria provided, single submitter. Criteria: Invitae Variant Classification Sherloc (09022015). Collection method: clinical testing. Allele origin: germline.
Comment: This sequence change replaces threonine, which is neutral and polar, with serine, which is neutral and polar, at codon 584 of the TMPO protein (p.Thr584Ser). This variant is present in population databases (rs777048063, gnomAD 0.003%). This variant has not been reported in the literature in individuals affected with TMPO-related conditions. Advanced modeling of protein sequence and biophysical properties (such as structural, functional, and spatial information, amino acid conservation, physicochemical variation, residue mobility, and thermodynamic stability) performed at Invitae indicates that this missense variant is not expected to disrupt TMPO protein function with a negative predictive value of 80%. In summary, the available evidence is currently insufficient to determine the role of this variant in disease. Therefore, it has been classified as a Variant of Uncertain Significance.